The following is an entry in ClinVar:

NM_022095.4(ZNF335):c.2442+1G>A

Gene: ZNF335 (zinc finger protein 335; minus strand). Cytogenetic location: 20q13.12.
Variant type: single nucleotide variant.
Coding change: c.2442+1G>A on transcript NM_022095.4 (MANE Select); the canonical splice donor site of the intron after coding-DNA position 2442, G replaced by A.
Molecular consequence: splice donor variant.
Genome position (GRCh38, 1-based): chr20:45,957,585, C>T on the plus strand (G>A on the coding strand, the complement: ZNF335 is on the minus strand). VCF-style: chr20-45957585-C-T. GRCh37 (hg19) VCF-style: chr20-44586224-C-T.
Identifiers: ClinVar variation 2633722 (VCV002633722.24), dbSNP rs201050033, ClinGen allele CA9885367.

ClinVar aggregate classification (germline): Conflicting classifications of pathogenicity. Review status: criteria provided, conflicting classifications (1 of 4 stars). 3 submissions from 3 submitters: Likely pathogenic (2); Uncertain significance (1). Last evaluated 2024-02-01.

Conditions:
ZNF335-related disorder. Also called: ZNF335-related condition.
Microcephalic primordial dwarfism due to ZNF335 deficiency. Also called: Primary autosomal recessive microcephaly 10. Identifiers: Orphanet 329228, MedGen C3554499, MONDO:0014043, OMIM 615095.

Allele frequency attached by ClinVar (database versions not stated): gnomAD 0.00001; TOPMed 0.00001; ExAC 0.00003; 1000 Genomes Project 30x 0.00016; 1000 Genomes Project 0.00020.
gnomAD v4.1: 25 of 1,613,982 alleles (0.0015%); highest among the groups gnomAD compares: East Asian, 0.045%; no homozygotes.

Submissions (3):

CeGaT Center for Human Genetics Tuebingen
Classification: Uncertain significance. Last evaluated: 2024-02-01. Review status: criteria provided, single submitter. Criteria: CeGaT Center For Human Genetics Tuebingen Variant Classification Criteria Version 2. Collection method: clinical testing. Allele origin: germline. Affected: yes. Observed: 1 variant allele.

PreventionGenetics, part of Exact Sciences
Classification: Likely pathogenic for ZNF335-related condition. Last evaluated: 2023-06-21. Review status: criteria provided, single submitter. Criteria: ACMG Guidelines, 2015. Collection method: clinical testing. Allele origin: germline.
Comment: The ZNF335 c.2442+1G>A variant is predicted to disrupt the GT donor site and interfere with normal splicing. To our knowledge, this variant has not been reported in the literature. This variant is reported in 0.022% of alleles in individuals of East Asian descent in gnomAD. Variants that disrupt the consensus splice donor site in ZNF335 are expected to be pathogenic. This variant is interpreted as likely pathogenic.

Juno Genomics, Hangzhou Juno Genomics, Inc
Classification: Likely pathogenic for Microcephalic primordial dwarfism due to ZNF335 deficiency. Review status: criteria provided, single submitter. Criteria: ACMG Guidelines, 2015. Collection method: clinical testing. Allele origin: germline.
Comment: Null variant in a gene where loss of function (LOF) is a known mechanism of disease.;Absent from controls (or at extremely low frequency if recessive) in Genome Aggregation Database.